The following is an entry in ClinVar:

NM_000760.4(CSF3R):c.2101G>A (p.Glu701Lys)

Gene: CSF3R (colony stimulating factor 3 receptor; minus strand). Cytogenetic location: 1p34.3.
Variant type: single nucleotide variant.
Coding change: c.2101G>A on transcript NM_000760.4 (MANE Select); coding-DNA position 2101, G replaced by A.
Protein change: p.Glu701Lys; replaces glutamic acid 701 with lysine.
Molecular consequence: missense variant.
Genome position (GRCh38, 1-based): chr1:36,466,767, C>T on the plus strand (G>A on the coding strand, the complement: CSF3R is on the minus strand). VCF-style: chr1-36466767-C-T. GRCh37 (hg19) VCF-style: chr1-36932368-C-T.
Other names: c.2182G>A, p.Glu728Lys (NM_156039.3); c.2101G>A, p.Glu701Lys (NM_172313.3); short protein forms E701K, E728K.
Identifiers: ClinVar variation 4737779 (VCV004737779.1).

ClinVar aggregate classification (germline): Uncertain significance (1 of 4 stars; one submission).

Conditions:
Autosomal recessive severe congenital neutropenia due to CSF3R deficiency. Also called: Neutropenia, severe congenital, 7, autosomal recessive. Identifiers: Orphanet 420702, MedGen C4310764, MONDO:0014865, OMIM 617014.

gnomAD v4.1: 13 of 1,614,124 alleles (0.00081%); highest among the groups gnomAD compares: South Asian, 0.0033%; no homozygotes.

Submission:

Labcorp Genetics (formerly Invitae), Labcorp
Classification: Uncertain significance for Autosomal recessive severe congenital neutropenia due to CSF3R deficiency. Last evaluated: 2025-04-28. Review status: criteria provided, single submitter. Criteria: Invitae Variant Classification Sherloc (09022015). Collection method: clinical testing. Allele origin: germline.
Comment: This sequence change replaces glutamic acid, which is acidic and polar, with lysine, which is basic and polar, at codon 701 of the CSF3R protein (p.Glu701Lys). This variant is present in population databases (no rsID available, gnomAD 0.003%). This variant has not been reported in the literature in individuals affected with CSF3R-related conditions. Invitae Evidence Modeling of protein sequence and biophysical properties (such as structural, functional, and spatial information, amino acid conservation, physicochemical variation, residue mobility, and thermodynamic stability) indicates that this missense variant is not expected to disrupt CSF3R protein function with a negative predictive value of 80%. In summary, the available evidence is currently insufficient to determine the role of this variant in disease. Therefore, it has been classified as a Variant of Uncertain Significance.